The following is an entry in ClinVar:

ClinVar aggregate classification (germline): Uncertain significance. Review status: criteria provided, multiple submitters, no conflicts (2 of 4 stars). 2 submissions from 2 submitters: Uncertain significance (2). Last evaluated 2025-11-01.

Conditions:
Autosomal recessive limb-girdle muscular dystrophy type 2J (LGMDR10). Also called: Limb-girdle muscular dystrophy, type 2J; MUSCULAR DYSTROPHY, LIMB-GIRDLE, AUTOSOMAL RECESSIVE 10. Identifiers: Orphanet 140922, MedGen C1837342, MONDO:0012127, OMIM 608807.
Dilated cardiomyopathy 1G (CMD1G). Identifiers: Orphanet 154, MedGen C1858763, MONDO:0011400, OMIM 604145.

gnomAD v4.1: 1 of 1,614,028 alleles (0.000062%); highest among the groups gnomAD compares: Non-Finnish European, 0.000085%; no homozygotes.

Submissions (2):

CeGaT Center for Human Genetics Tuebingen
Classification: Uncertain significance. Last evaluated: 2025-11-01. Review status: criteria provided, single submitter. Criteria: CeGaT Center For Human Genetics Tuebingen Variant Classification Criteria Version 2. Collection method: clinical testing. Allele origin: germline. Affected: yes. Observed: 1 variant allele.
Comment: TTN: PM2, BP4

Labcorp Genetics (formerly Invitae), Labcorp
Classification: Uncertain significance for Dilated cardiomyopathy 1G; Autosomal recessive limb-girdle muscular dystrophy type 2J. Last evaluated: 2024-12-04. Review status: criteria provided, single submitter. Criteria: Invitae Variant Classification Sherloc (09022015). Collection method: clinical testing. Allele origin: germline.
Comment: This sequence change replaces histidine, which is basic and polar, with asparagine, which is neutral and polar, at codon 34702 of the TTN protein (p.His34702Asn). This variant is not present in population databases (gnomAD no frequency). This variant has not been reported in the literature in individuals affected with TTN-related conditions. Experimental studies and prediction algorithms are not available or were not evaluated, and the functional significance of this variant is currently unknown. This variant is located in the M band of TTN (PMID: 25589632). Non-truncating variants in this region may be relevant for neuromuscular disorders, but have not been definitively shown to cause cardiomyopathy (PMID: 23975875). In summary, the available evidence is currently insufficient to determine the role of this variant in disease. Therefore, it has been classified as a Variant of Uncertain Significance.

Literature cited by the submitters: PubMed 25589632 (cited by Labcorp Genetics (formerly Invitae), Labcorp); PubMed 23975875 (cited by Labcorp Genetics (formerly Invitae), Labcorp).

NM_001267550.2(TTN):c.104104C>A (p.His34702Asn)

Genes: TTN-AS1 (TTN antisense RNA 1; plus strand), TTN (titin; minus strand). Cytogenetic location: 2q31.2.
Variant type: single nucleotide variant.
Coding change: c.104104C>A on transcript NM_001267550.2 (MANE Select); coding-DNA position 104104, C replaced by A.
Protein change: p.His34702Asn; replaces histidine 34702 with asparagine.
Molecular consequence: missense variant.
Genome position (GRCh38, 1-based): chr2:178,532,511, G>T on the plus strand (C>A on the coding strand, the complement: TTN is on the minus strand). VCF-style: chr2-178532511-G-T. GRCh37 (hg19) VCF-style: chr2-179397238-G-T.
Other names: c.99181C>A, p.His33061Asn (NM_001256850.1); c.76909C>A, p.His25637Asn (NM_003319.4); c.96400C>A, p.His32134Asn (NM_133378.4); c.77284C>A, p.His25762Asn (NM_133432.3); c.77485C>A, p.His25829Asn (NM_133437.4); short protein forms H25637N, H25762N, H25829N, H32134N, H33061N, H34702N.
Identifiers: ClinVar variation 3753422 (VCV003753422.8).